The following is an entry in ClinVar:

NM_001257291.2(SLC9A7):c.2012T>C (p.Val671Ala)

Gene: SLC9A7 (solute carrier family 9 member A7; minus strand). Cytogenetic location: Xp11.3.
Variant type: single nucleotide variant.
Coding change: c.2012T>C on transcript NM_001257291.2 (MANE Select); coding-DNA position 2012, T replaced by C.
Protein change: p.Val671Ala; replaces valine 671 with alanine.
Molecular consequence: missense variant.
Genome position (GRCh38, 1-based): chrX:46,607,121, A>G on the plus strand (T>C on the coding strand, the complement: SLC9A7 is on the minus strand). VCF-style: chrX-46607121-A-G. GRCh37 (hg19) VCF-style: chrX-46466556-A-G.
Other names: c.2009T>C, p.Val670Ala (NM_032591.3); short protein forms V670A, V671A.
Identifiers: ClinVar variation 4281345 (VCV004281345.7).

ClinVar aggregate classification (germline): Uncertain significance (1 of 4 stars; one submission).

Submission:

CeGaT Center for Human Genetics Tuebingen
Classification: Uncertain significance. Last evaluated: 2025-09-01. Review status: criteria provided, single submitter. Criteria: CeGaT Center For Human Genetics Tuebingen Variant Classification Criteria Version 2. Collection method: clinical testing. Allele origin: germline. Affected: yes. Observed: 1 variant allele.
Comment: SLC9A7: PM2